The following is an entry in ClinVar:

NM_006796.3(AFG3L2):c.575A>G (p.Asn192Ser)

Gene: AFG3L2 (AFG3 like matrix AAA peptidase subunit 2; minus strand). Cytogenetic location: 18p11.21.
Variant type: single nucleotide variant.
Coding change: c.575A>G on transcript NM_006796.3 (MANE Select); coding-DNA position 575, A replaced by G.
Protein change: p.Asn192Ser; replaces asparagine 192 with serine.
Molecular consequence: missense variant.
Genome position (GRCh38, 1-based): chr18:12,363,834, T>C on the plus strand (A>G on the coding strand, the complement: AFG3L2 is on the minus strand). VCF-style: chr18-12363834-T-C. GRCh37 (hg19) VCF-style: chr18-12363833-T-C.
Other names: short protein forms N192S.
Identifiers: ClinVar variation 4795305 (VCV004795305.1).

ClinVar aggregate classification (germline): Uncertain significance (1 of 4 stars; one submission).

Submission:

GeneDx
Classification: Uncertain significance. Last evaluated: 2025-08-15. Review status: criteria provided, single submitter. Criteria: GeneDx Variant Classification Process June 2021. Collection method: clinical testing. Allele origin: germline. Affected: yes.
Comment: Not observed at significant frequency in large population cohorts (gnomAD); In silico analysis supports that this missense variant has a deleterious effect on protein structure/function; Has not been previously published as pathogenic or benign to our knowledge